The following is an entry in ClinVar:

ClinVar aggregate classification (germline): Uncertain significance (1 of 4 stars; one submission).

Conditions:
Nemaline myopathy 2 (NEM2). Also called: Nemaline myopathy 2, autosomal recessive. Identifiers: MedGen C1850569, MONDO:0009725, OMIM 256030.

Submission:

Labcorp Genetics (formerly Invitae), Labcorp
Classification: Uncertain significance for Nemaline myopathy 2. Last evaluated: 2023-04-17. Review status: criteria provided, single submitter. Criteria: Invitae Variant Classification Sherloc (09022015). Collection method: clinical testing. Allele origin: unknown.
Comment: In summary, the available evidence is currently insufficient to determine the role of this variant in disease. Therefore, it has been classified as a Variant of Uncertain Significance. Experimental studies and prediction algorithms are not available or were not evaluated, and the functional significance of this variant is currently unknown. This variant has not been reported in the literature in individuals affected with NEB-related conditions. This variant results in a copy number gain of the genomic region encompassing exon(s) 58-81 of the NEB gene. While the exact position of this variant cannot be determined from the data, sub-genic copy number gains are generally in tandem (PMID: 25640679). This variant is predicted to be in-frame, and likely preserves the integrity of the reading frame.

Literature cited by the submitters: PubMed 25640679.

NC_000002.11:g.(?_152466303)_(152499887_?)dup

Gene: NEB (nebulin; minus strand). Cytogenetic location: 2q23.3.
Variant type: Duplication.
Identifiers: ClinVar variation 3247262 (VCV003247262.1).